The following is an entry in ClinVar:

ClinVar aggregate classification (germline): Uncertain significance (0 of 4 stars; one submission).

Allele frequency attached by ClinVar (database versions not stated): gnomAD exomes 0.00001 and 0.00004.
gnomAD v4.1: 49 of 1,551,596 alleles (0.0032%); highest among the groups gnomAD compares: Non-Finnish European, 0.0043%; no homozygotes.

Submission:

Department of Pathology and Laboratory Medicine, Sinai Health System
Classification: Uncertain significance. Review status: no assertion criteria provided. Collection method: clinical testing. Allele origin: unknown. Affected: yes. Study: The Canadian Open Genetics Repository (COGR).
Comment: The CACNB2 c.48+14G>T variant was not identified in the literature nor was it identified in ClinVar. The variant was identified in dbSNP (ID: rs942130254) and in control databases in 2 of 156092 chromosomes at a frequency of 0.00001281 (Genome Aggregation Database March 6, 2019, v2.1.1). The variant was observed in the European (non-Finnish) population in 2 of 60218 chromosomes (freq: 0.000033), but was not observed in the African, Latino, Ashkenazi Jewish, East Asian, European (Finnish), Other, or South Asian populations. The variant occurs outside of the splicing consensus sequence and 2 of 4 in silico or computational prediction software programs (SpliceSiteFinder, MaxEntScan, NNSPLICE, GeneSplicer) predict a greater than 10% difference in splicing; this is not very predictive of pathogenicity. In summary, based on the above information the clinical significance of this variant cannot be determined with certainty at this time. This variant is classified as a variant of uncertain significance.

NM_201596.3(CACNB2):c.213+110356G>T

Genes: CACNB2 (calcium voltage-gated channel auxiliary subunit beta 2; plus strand), CACNB2-AS2 (CACNB2 antisense RNA 2; minus strand). Cytogenetic location: 10p12.33.
Variant type: single nucleotide variant.
Coding change: c.213+110356G>T on transcript NM_201596.3 (MANE Select); 110356 bases into the intron after coding-DNA position 213, G replaced by T.
Molecular consequence: intron variant.
Genome position (GRCh38, 1-based): chr10:18,261,331, G>T. VCF-style: chr10-18261331-G-T. GRCh37 (hg19) VCF-style: chr10-18550260-G-T.
Other names: c.129+110356G>T (NM_201571.4, NM_001167945.2, NM_201572.4); c.213+110356G>T (NM_201593.3, NM_201597.3); c.48+14G>T (NM_000724.4, NM_001330060.2).
Identifiers: ClinVar variation 1048926 (VCV001048926.1), dbSNP rs942130254, ClinGen allele CA203434211.
Genomic context (GRCh38, chr10:18,261,331, plus strand): 5'-TGCAGTGCTGCGGGCTGGTGCATCGCCGGCGAGTACGGGTGTCCTATGTAAGTTTCTATT[G>T]CTGTAGAATTGCAGCTGGGAGCTGAAAATACTATTCGTGTCTGTCTGGTGCATGTTGCCT-3'